The following is an entry in ClinVar:

ClinVar aggregate classification (germline): Likely benign (1 of 4 stars; one submission).

Conditions:
FBN1-related disorder. Also called: FBN1-related disorders.

Submission:

PreventionGenetics, part of Exact Sciences
Classification: Likely benign for FBN1-related condition. Last evaluated: 2026-08-26. Review status: criteria provided, single submitter. Criteria: ACMG Guidelines, 2015. Collection method: clinical testing. Allele origin: germline.
Comment: This variant is classified as likely benign based on ACMG/AMP sequence variant interpretation guidelines (Richards et al. 2015 PMID: 25741868, with internal and published modifications).

NM_000138.5(FBN1):c.7152G>T (p.Val2384=)

Gene: FBN1 (fibrillin 1; minus strand). Cytogenetic location: 15q21.1.
Variant type: single nucleotide variant.
Coding change: c.7152G>T on transcript NM_000138.5 (MANE Select); coding-DNA position 7152, G replaced by T.
Protein change: p.Val2384=; no amino-acid change (valine 2384 retained).
Molecular consequence: synonymous variant.
Genome position (GRCh38, 1-based): chr15:48,427,619, C>A on the plus strand (G>T on the coding strand, the complement: FBN1 is on the minus strand). VCF-style: chr15-48427619-C-A. GRCh37 (hg19) VCF-style: chr15-48719816-C-A.
Other names: c.7152G>T, p.Val2384= (NM_001406716.1).
Identifiers: ClinVar variation 4991866 (VCV004991866.1).